The following continues an entry in ClinVar:

NM_007294.4(BRCA1):c.4262A>G (p.His1421Arg)

Gene: BRCA1. ClinVar aggregate classification (germline): Conflicting classifications of pathogenicity. Uncertain significance (10); Likely benign (6).

Submissions 12 to 18 of 18:

ARUP Laboratories, Molecular Genetics and Genomics, ARUP Laboratories
Classification: Uncertain significance. Last evaluated: 2019-09-30. Review status: criteria provided, single submitter. Criteria: ARUP Molecular Germline Variant Investigation Process. Collection method: clinical testing. Allele origin: germline.
Comment: The BRCA1 c.4262A>G; p.His1421Arg variant (rs80357079), to our knowledge, is not reported in the medical literature but is reported in ClinVar (Variation ID: 55157). This variant is absent from general population databases (Exome Variant Server, Genome Aggregation Database), indicating it is not a common polymorphism. The histidine at codon 1421 is moderately conserved and computational analyses (SIFT, PolyPhen-2) predict that this variant is tolerated. Other amino acid substitutions at this codon (p.His1421Leu, p.His1421Tyr) have been reported in individuals with a personal or family history of breast and/or ovarian cancer, although their clinical significance was not demonstrated (Akbari 2011, Vogel 2007). Given the lack of clinical and functional data, the significance of the p.His1421Arg variant is uncertain at this time. References: Akbari MR et al. Clinical impact of unclassified variants of the BRCA1 and BRCA2 genes. J Med Genet. 2011 Nov;48(11):783-6 Vogel KJ et al. BRCA1 and BRCA2 genetic testing in Hispanic patients: mutation prevalence and evaluation of the BRCAPRO risk assessment model. J Clin Oncol. 2007 Oct 10;25(29):4635-41.

Genetic Services Laboratory, University of Chicago
Classification: Uncertain significance. Last evaluated: 2019-09-13. Review status: criteria provided, single submitter. Criteria: ACMG Guidelines, 2015. Collection method: clinical testing. Allele origin: germline. Affected: no.

Blueprint Genetics
Classification: Uncertain significance. Last evaluated: 2018-08-02. Review status: criteria provided, single submitter. Criteria: ACMG Guidelines, 2015. Collection method: clinical testing. Allele origin: germline.

Mendelics
Classification: Uncertain significance for Hereditary breast and ovarian cancer syndrome. Last evaluated: 2018-07-02. Review status: criteria provided, single submitter. Criteria: Mendelics Assertion Criteria 2017. Collection method: clinical testing. Allele origin: unknown.

Ambry Genetics
Classification: Likely benign for Hereditary cancer-predisposing syndrome. Last evaluated: 2018-04-20. Review status: criteria provided, single submitter. Criteria: Ambry Variant Classification Scheme 2023. Collection method: clinical testing. Allele origin: germline.

Sharing Clinical Reports Project (SCRP)
Classification: Uncertain significance for Breast-ovarian cancer, familial 1. Last evaluated: 2012-05-01. Review status: no assertion criteria provided. Collection method: clinical testing. Allele origin: germline. Not counted in ClinVar's aggregate classification.

Breast Cancer Information Core (BIC) (BRCA1)
Classification: Uncertain significance for Breast-ovarian cancer, familial 1. Last evaluated: 2004-11-25. Review status: no assertion criteria provided. Collection method: clinical testing. Allele origin: germline. Affected: yes. Observed: 1 variant allele. Not counted in ClinVar's aggregate classification.

Literature cited by the submitters: PubMed 23704879 (cited by Women's Health and Genetics/Laboratory Corporation of America, LabCorp); PubMed 24845084 (cited by Women's Health and Genetics/Laboratory Corporation of America, LabCorp); PubMed 28781887 (cited by Women's Health and Genetics/Laboratory Corporation of America, LabCorp); PubMed 30400234 (cited by 5 submitters); PubMed 31112341 (cited by Women's Health and Genetics/Laboratory Corporation of America, LabCorp); PubMed 35264596 (cited by Women's Health and Genetics/Laboratory Corporation of America, LabCorp and Quest Diagnostics Nichols Institute San Juan Capistrano); PubMed 31131967 (cited by All of Us Research Program, National Institutes of Health and Quest Diagnostics Nichols Institute San Juan Capistrano); PubMed 33471991 (cited by 3 submitters); PubMed 26295337 (cited by Quest Diagnostics Nichols Institute San Juan Capistrano); PubMed 21965345 (cited by Ambry Genetics); PubMed 22682623 (cited by Ambry Genetics).